The following is an entry in ClinVar:

ClinVar aggregate classification (germline): Uncertain significance. Review status: criteria provided, multiple submitters, no conflicts (2 of 4 stars). 3 submissions from 3 submitters: Uncertain significance (3). Last evaluated 2025-08-25.

Conditions:
Fraser syndrome 2 (FRASRS2). Identifiers: MedGen C4540036, MONDO:0054738, OMIM 617666.
Isolated cryptophthalmia. Also called: Cryptophthalmos, unilateral or bilateral, isolated; ANKYLOBLEPHARON, SIMPLE. Identifiers: Orphanet 91396, MedGen C1852453, MONDO:0007410, OMIM 123570.
Inborn genetic diseases. Identifiers: MedGen C0950123, MeSH D030342.

Allele frequency attached by ClinVar (database versions not stated): gnomAD exomes below 0.00001; gnomAD 0.00001; TOPMed 0.00001; ExAC 0.00002; ESP Exome Variant Server 0.00008.
gnomAD v4.1: 8 of 1,613,812 alleles (0.0005%); highest among the groups gnomAD compares: Admixed American, 0.0033%; no homozygotes.

Submissions (3):

Ambry Genetics
Classification: Uncertain significance for Inborn genetic diseases. Last evaluated: 2025-08-25. Review status: criteria provided, single submitter. Criteria: Ambry Variant Classification Scheme 2023. Collection method: clinical testing. Allele origin: germline.

Fulgent Genetics
Classification: Uncertain significance for Isolated cryptophthalmia; Fraser syndrome 2. Last evaluated: 2024-01-12. Review status: criteria provided, single submitter. Criteria: ACMG Guidelines, 2015. Collection method: clinical testing. Allele origin: germline.

Labcorp Genetics (formerly Invitae), Labcorp
Classification: Uncertain significance. Last evaluated: 2022-07-14. Review status: criteria provided, single submitter. Criteria: Invitae Variant Classification Sherloc (09022015). Collection method: clinical testing. Allele origin: germline.
Comment: This sequence change replaces isoleucine, which is neutral and non-polar, with valine, which is neutral and non-polar, at codon 1106 of the FREM2 protein (p.Ile1106Val). This variant is present in population databases (rs143135965, gnomAD 0.006%). This variant has not been reported in the literature in individuals affected with FREM2-related conditions. Algorithms developed to predict the effect of missense changes on protein structure and function are either unavailable or do not agree on the potential impact of this missense change (SIFT: "Deleterious"; PolyPhen-2: "Benign"; Align-GVGD: "Class C0"). In summary, the available evidence is currently insufficient to determine the role of this variant in disease. Therefore, it has been classified as a Variant of Uncertain Significance.

NM_207361.6(FREM2):c.3316A>G (p.Ile1106Val)

Gene: FREM2 (FRAS1 related extracellular matrix 2; plus strand). Cytogenetic location: 13q13.3.
Variant type: single nucleotide variant.
Coding change: c.3316A>G on transcript NM_207361.6 (MANE Select); coding-DNA position 3316, A replaced by G.
Protein change: p.Ile1106Val; replaces isoleucine 1106 with valine.
Molecular consequence: missense variant.
Genome position (GRCh38, 1-based): chr13:38,690,660, A>G. VCF-style: chr13-38690660-A-G. GRCh37 (hg19) VCF-style: chr13-39264797-A-G.
Other names: c.3316A>G (NM_207361.4); short protein forms I1106V.
Identifiers: ClinVar variation 2071613 (VCV002071613.3), dbSNP rs143135965, ClinGen allele CA6954782.
Genomic context (GRCh38, chr13:38,690,660, plus strand): 5'-ACATCAGTGCATATAAGTGCTGAAGATGTCGACTCCCTGAATGATGACATCTTGTGCACT[A>G]TAGTTATTCAGCCTACTTCAGGTTATGTTGAAAACATTTCTCCAGCACCAGGCTCTGAGA-3'
Protein context (NP_997244.4, residues 1096-1116): DSLNDDILCT[Ile1106Val]VIQPTSGYVE